The following is an entry in ClinVar:

NM_000475.5(NR0B1):c.169G>T (p.Gly57Trp)

Gene: NR0B1 (nuclear receptor subfamily 0 group B member 1; minus strand). Cytogenetic location: Xp21.2.
Variant type: single nucleotide variant.
Coding change: c.169G>T on transcript NM_000475.5 (MANE Select); coding-DNA position 169, G replaced by T.
Protein change: p.Gly57Trp; replaces glycine 57 with tryptophan.
Molecular consequence: missense variant.
Genome position (GRCh38, 1-based): chrX:30,309,195, C>A on the plus strand (G>T on the coding strand, the complement: NR0B1 is on the minus strand). VCF-style: chrX-30309195-C-A. GRCh37 (hg19) VCF-style: chrX-30327312-C-A.
Other names: short protein forms G57W.
Identifiers: ClinVar variation 4790331 (VCV004790331.1).
Genomic context (GRCh38, chrX:30,309,195, plus strand): 5'-CCTGCCGTGGGTGGTCTTTACCGCAAAAGCAGCAGCGGTACAGGAGCGCCACGTTCCGCC[C>A]GCCCAGCAGCCCCTCTCTGCCCACCCCGGGCTCATCGCCGCACGAACAGCCCCAGCACTG-3'
Protein context (NP_000466.2, residues 47-67): PGVGREGLLG[Gly57Trp]RNVALLYRCC

ClinVar aggregate classification (germline): Uncertain significance (1 of 4 stars; one submission).

Conditions:
Congenital adrenal hypoplasia, X-linked (AHC). Also called: Isolated X-Linked Adrenal Hypoplasia Congenita; X-linked AHC; X-Linked Adrenal Hypoplasia Congenita; ADRENAL HYPOPLASIA, CONGENITAL, WITH HYPOGONADOTROPIC HYPOGONADISM. Identifiers: Orphanet 95702, MedGen C0342482, MONDO:0010264, OMIM 300200. Disease mechanism: loss of function.
46,XY sex reversal 2. Also called: NR0B1-Related 46,XY CGD; NR0B1-related 46,XY complete gonadal dysgenesis; Dosage-sensitive sex reversal; 46,XY SEX REVERSAL, DAX1-RELATED; 46XY sex reversal 2, dosage-sensitive. Identifiers: MedGen C1848296, MONDO:0010226, OMIM 300018.

Submission:

Labcorp Genetics (formerly Invitae), Labcorp
Classification: Uncertain significance for Congenital adrenal hypoplasia, X-linked; 46,XY sex reversal 2. Last evaluated: 2025-02-13. Review status: criteria provided, single submitter. Criteria: Invitae Variant Classification Sherloc (09022015). Collection method: clinical testing. Allele origin: germline.
Comment: This sequence change replaces glycine, which is neutral and non-polar, with tryptophan, which is neutral and slightly polar, at codon 57 of the NR0B1 protein (p.Gly57Trp). This variant is not present in population databases (gnomAD no frequency). This variant has not been reported in the literature in individuals affected with NR0B1-related conditions. Invitae Evidence Modeling of protein sequence and biophysical properties (such as structural, functional, and spatial information, amino acid conservation, physicochemical variation, residue mobility, and thermodynamic stability) has been performed for this missense variant. However, the output from this modeling did not meet the statistical confidence thresholds required to predict the impact of this variant on NR0B1 protein function. In summary, the available evidence is currently insufficient to determine the role of this variant in disease. Therefore, it has been classified as a Variant of Uncertain Significance.